The following is an entry in ClinVar:

ClinVar aggregate classification (germline): Uncertain significance. Review status: criteria provided, multiple submitters, no conflicts (2 of 4 stars). 2 submissions from 2 submitters: Uncertain significance (2). Last evaluated 2025-01-27.

Conditions:
Inborn genetic diseases. Identifiers: MedGen C0950123, MeSH D030342.
Baller-Gerold syndrome (BGS). Also called: CRANIOSYNOSTOSIS WITH RADIAL DEFECTS. Identifiers: Orphanet 1225, MedGen C0265308, MONDO:0009039, OMIM 218600.

Submissions (2):

Ambry Genetics
Classification: Uncertain significance for Inborn genetic diseases. Last evaluated: 2025-01-27. Review status: criteria provided, single submitter. Criteria: Ambry Variant Classification Scheme 2023. Collection method: clinical testing. Allele origin: germline.
Comment: The p.R365G variant (also known as c.1093C>G), located in coding exon 5 of the RECQL4 gene, results from a C to G substitution at nucleotide position 1093. The arginine at codon 365 is replaced by glycine, an amino acid with dissimilar properties. This amino acid position is conserved. In addition, this alteration is predicted to be tolerated by in silico analysis. Based on the available evidence, the clinical significance of this variant remains unclear.

Labcorp Genetics (formerly Invitae), Labcorp
Classification: Uncertain significance for Baller-Gerold syndrome. Last evaluated: 2022-09-29. Review status: criteria provided, single submitter. Criteria: Invitae Variant Classification Sherloc (09022015). Collection method: clinical testing. Allele origin: germline.
Comment: In summary, the available evidence is currently insufficient to determine the role of this variant in disease. Therefore, it has been classified as a Variant of Uncertain Significance. Experimental studies and prediction algorithms are not available or were not evaluated, and the functional significance of this variant is currently unknown. This variant has not been reported in the literature in individuals affected with RECQL4-related conditions. This variant is not present in population databases (gnomAD no frequency). This sequence change replaces arginine, which is basic and polar, with glycine, which is neutral and non-polar, at codon 365 of the RECQL4 protein (p.Arg365Gly).

NM_004260.4(RECQL4):c.1093C>G (p.Arg365Gly)

Gene: RECQL4 (RecQ like helicase 4; minus strand). Cytogenetic location: 8q24.3.
Variant type: single nucleotide variant.
Coding change: c.1093C>G on transcript NM_004260.4 (MANE Select); coding-DNA position 1093, C replaced by G.
Protein change: p.Arg365Gly; replaces arginine 365 with glycine.
Molecular consequence: missense variant.
Genome position (GRCh38, 1-based): chr8:144,516,026, G>C on the plus strand (C>G on the coding strand, the complement: RECQL4 is on the minus strand). VCF-style: chr8-144516026-G-C. GRCh37 (hg19) VCF-style: chr8-145741410-G-C.
Other names: c.997C>G, p.Arg333Gly (NM_001413017.1, NM_001413020.1); c.1093C>G, p.Arg365Gly (NM_001413018.1, NM_001413019.1, NM_001413033.1 and 2 more transcripts); c.22C>G, p.Arg8Gly (NM_001413021.1, NM_001413022.1, NM_001413023.1 and 8 more transcripts); c.964C>G, p.Arg322Gly (NM_001413025.1); c.-41C>G (NM_001413027.1, NM_001413030.1, NM_001413031.1 and 2 more transcripts); c.742C>G, p.Arg248Gly (NM_001413029.1); c.-248C>G (NM_001413043.1); c.1093C>G (NM_004260.3); short protein forms R365G, R8G, R333G, R248G, R322G.
Identifiers: ClinVar variation 2159230 (VCV002159230.5), dbSNP rs1220847881, ClinGen allele CA372688073.